The following is an entry in ClinVar:

NM_014991.6(WDFY3):c.9434G>A (p.Gly3145Glu)

Gene: WDFY3 (WD repeat and FYVE domain containing 3; minus strand). Cytogenetic location: 4q21.23.
Variant type: single nucleotide variant.
Coding change: c.9434G>A on transcript NM_014991.6 (MANE Select); coding-DNA position 9434, G replaced by A.
Protein change: p.Gly3145Glu; replaces glycine 3145 with glutamic acid.
Molecular consequence: missense variant.
Genome position (GRCh38, 1-based): chr4:84,688,195, C>T on the plus strand (G>A on the coding strand, the complement: WDFY3 is on the minus strand). VCF-style: chr4-84688195-C-T. GRCh37 (hg19) VCF-style: chr4-85609348-C-T.
Other names: short protein forms G3145E.
Identifiers: ClinVar variation 4088230 (VCV004088230.1).
Genomic context (GRCh38, chr4:84,688,195, plus strand): 5'-AGCTGGGTTAGAAATGACAGTTTGTTCAAATCCCAAATGATACAGGTTCGATCACGGGAC[C>T]CACTGACAATTATGTGATAGGCTAATGATGCTGTGGCGCAGGTGACGGTATCAGTGTGGC-3'
Protein context (NP_055806.2, residues 3135-3155): ASLAYHIIVS[Gly3145Glu]SRDRTCIIWD

ClinVar aggregate classification (germline): Uncertain significance (1 of 4 stars; one submission).

Submission:

GeneDx
Classification: Uncertain significance. Last evaluated: 2025-03-26. Review status: criteria provided, single submitter. Criteria: GeneDx Variant Classification Process June 2021. Collection method: clinical testing. Allele origin: germline. Affected: yes.
Comment: Not observed at significant frequency in large population cohorts (gnomAD); In silico analysis supports that this missense variant has a deleterious effect on protein structure/function; Has not been previously published as pathogenic or benign to our knowledge